The following is an entry in ClinVar:

ClinVar aggregate classification (germline): other (0 of 4 stars; one submission).

Conditions:
Familial colorectal cancer. Identifiers: MedGen CN280943, MONDO:0023113. Disease mechanism: loss of function.

Allele frequency attached by ClinVar (database versions not stated): TOPMed 0.98026; 1000 Genomes Project 30x 0.98048; gnomAD 0.98078 and 0.98219; 1000 Genomes Project 0.98243.
gnomAD v4.1: 149,639 of 152,314 alleles (98%); highest among the groups gnomAD compares: Middle Eastern, 100%; 73,565 homozygotes.

Submission:

Systems Biology Platform Zhejiang California International NanoSystems Institute
Classification: other for Familial colorectal cancer. Review status: no assertion criteria provided. Collection method: not provided. Allele origin: unknown.
ClinVar note: Converted during submission from cancer to other.

NM_000038.6(APC):c.136-527G>A

Gene: APC (APC regulator of WNT signaling pathway; plus strand). Cytogenetic location: 5q22.2.
Variant type: single nucleotide variant.
Coding change: c.136-527G>A on transcript NM_000038.6 (MANE Select); 527 bases into the intron before coding-DNA position 136, G replaced by A.
Molecular consequence: intron variant.
Genome position (GRCh38, 1-based): chr5:112,765,799, G>A. VCF-style: chr5-112765799-G-A. GRCh37 (hg19) VCF-style: chr5-112101496-G-A.
Other names: c.136-527G>A (NM_001354895.2, NM_001127510.3, NM_001354896.2 and 2 more transcripts); c.166-527G>A (NM_001354897.2, NM_001354902.2, NM_001127511.3); c.61-527G>A (NM_001354898.2, NM_001354904.2); c.-900-527G>A (NM_001354906.2); c.-42-527G>A (NM_001354900.2, NM_001354901.2, NM_001354905.2).
Identifiers: ClinVar variation 82869 (VCV000082869.2), dbSNP rs2464806, ClinGen allele CA004805.